The following is an entry in ClinVar:

NM_001378477.3(NYX):c.122T>G (p.Val41Gly)

Gene: NYX (nyctalopin; plus strand). Cytogenetic location: Xp11.4.
Variant type: single nucleotide variant.
Coding change: c.122T>G on transcript NM_001378477.3 (MANE Select); coding-DNA position 122, T replaced by G.
Protein change: p.Val41Gly; replaces valine 41 with glycine.
Molecular consequence: missense variant.
Genome position (GRCh38, 1-based): chrX:41,473,590, T>G. VCF-style: chrX-41473590-T-G. GRCh37 (hg19) VCF-style: chrX-41332843-T-G.
Other names: c.122T>G, p.Val41Gly (NM_022567.3); short protein forms V46G, V41G.
Identifiers: ClinVar variation 933896 (VCV000933896.9), dbSNP rs2064371829, ClinGen allele CA412989452.
Genomic context (GRCh38, chrX:41,473,590, plus strand): 5'-CCTGCGCCCGCGCTTGTCCCGCCGCCTGCGCCTGCAGCACCGTGGAGCGCGGCTGCTCGG[T>G]GCGCTGCGACCGCGCGGGCCTCCTGCGGGTGCCGGCCGAGCTCCCGTGCGAGGCGGTCTC-3'
Protein context (NP_001365406.2, residues 31-51): ACSTVERGCS[Val41Gly]RCDRAGLLRV

ClinVar aggregate classification (germline): Uncertain significance (1 of 4 stars; one submission).

Allele frequency attached by ClinVar (database versions not stated): gnomAD exomes below 0.00001.

Submission:

Labcorp Genetics (formerly Invitae), Labcorp
Classification: Uncertain significance. Last evaluated: 2020-01-22. Review status: criteria provided, single submitter. Criteria: Invitae Variant Classification Sherloc (09022015). Collection method: clinical testing. Allele origin: germline.
Comment: In summary, the available evidence is currently insufficient to determine the role of this variant in disease. Therefore, it has been classified as a Variant of Uncertain Significance. Algorithms developed to predict the effect of missense changes on protein structure and function (SIFT, PolyPhen-2, Align-GVGD) all suggest that this variant is likely to be disruptive, but these predictions have not been confirmed by published functional studies and their clinical significance is uncertain. This variant has been observed in an individual affected with congenital stationary night blindness (PMID: 25307992). The frequency data for this variant in the population databases is considered unreliable, as metrics indicate insufficient coverage at this position in the ExAC database. This sequence change replaces valine with glycine at codon 46 of the NYX protein (p.Val46Gly). The valine residue is highly conserved and there is a moderate physicochemical difference between valine and glycine.

Literature cited by the submitters: PubMed 25307992.